The following is an entry in ClinVar:

NM_012062.5(DNM1L):c.619+211A>T

Gene: DNM1L (dynamin 1 like; plus strand). Cytogenetic location: 12p11.21.
Variant type: single nucleotide variant.
Coding change: c.619+211A>T on transcript NM_012062.5 (MANE Select); 211 bases into the intron after coding-DNA position 619, A replaced by T.
Molecular consequence: intron variant.
Genome position (GRCh38, 1-based): chr12:32,713,582, A>T. VCF-style: chr12-32713582-A-T. GRCh37 (hg19) VCF-style: chr12-32866516-A-T.
Other names: c.658+211A>T (NM_001278464.2, NM_001278465.2, NM_001330380.2); c.131+6169A>T (NM_001278466.2); c.619+211A>T (NM_001278463.2, NM_012063.4, NM_005690.5).
Identifiers: ClinVar variation 678577 (VCV000678577.1), dbSNP rs7971327, ClinGen allele CA13665641.

ClinVar aggregate classification (germline): Benign (1 of 4 stars; one submission).

Allele frequency attached by ClinVar (database versions not stated): 1000 Genomes Project 0.17792; 1000 Genomes Project 30x 0.18192; gnomAD 0.18558 and 0.19104; TOPMed 0.19539.
gnomAD v4.1: 28,334 of 152,194 alleles (19%); highest among the groups gnomAD compares: African/African-American, 32%; 3,136 homozygotes.

Submission:

GeneDx
Classification: Benign. Last evaluated: 2018-06-14. Review status: criteria provided, single submitter. Criteria: GeneDx Variant Classification (06012015). Collection method: clinical testing. Allele origin: germline. Affected: yes.
Comment: This variant is considered likely benign or benign based on one or more of the following criteria: it is a conservative change, it occurs at a poorly conserved position in the protein, it is predicted to be benign by multiple in silico algorithms, and/or has population frequency not consistent with disease.